The following is an entry in ClinVar:

ClinVar aggregate classification (germline): Uncertain significance (1 of 4 stars; one submission).

Submission:

Labcorp Genetics (formerly Invitae), Labcorp
Classification: Uncertain significance. Last evaluated: 2022-11-03. Review status: criteria provided, single submitter. Criteria: Invitae Variant Classification Sherloc (09022015). Collection method: clinical testing. Allele origin: germline.
Comment: In summary, the available evidence is currently insufficient to determine the role of this variant in disease. Therefore, it has been classified as a Variant of Uncertain Significance. Algorithms developed to predict the effect of missense changes on protein structure and function (SIFT, PolyPhen-2, Align-GVGD) all suggest that this variant is likely to be tolerated. ClinVar contains an entry for this variant (Variation ID: 938533). This variant has not been reported in the literature in individuals affected with CNGA1-related conditions. This variant is not present in population databases (gnomAD no frequency). This sequence change replaces threonine, which is neutral and polar, with arginine, which is basic and polar, at codon 164 of the CNGA1 protein (p.Thr164Arg).

NM_001379270.1(CNGA1):c.479C>G (p.Thr160Arg)

Genes: CNGA1 (cyclic nucleotide gated channel subunit alpha 1; minus strand), LOC101927157 (uncharacterized LOC101927157; plus strand). Cytogenetic location: 4p12.
Variant type: single nucleotide variant.
Coding change: c.479C>G on transcript NM_001379270.1 (MANE Select); coding-DNA position 479, C replaced by G.
Protein change: p.Thr160Arg; replaces threonine 160 with arginine.
Molecular consequence: missense variant.
Genome position (GRCh38, 1-based): chr4:47,942,107, G>C on the plus strand (C>G on the coding strand, the complement: CNGA1 is on the minus strand). VCF-style: chr4-47942107-G-C. GRCh37 (hg19) VCF-style: chr4-47944124-G-C.
Other names: c.479C>G, p.Thr160Arg (NM_000087.5, NM_001142564.2); short protein forms T160R.
Identifiers: ClinVar variation 938533 (VCV000938533.9), dbSNP rs1739117918, ClinGen allele CA356831675.
Genomic context (GRCh38, chr4:47,942,107, plus strand): 5'-ATAACCATTGTCCAGTTGTACATAACAGGTAATGTGATGCAAAACAGCCAGTTGTAATAT[G>C]TGTTTCCCGAGGGATCAATAACCACAACTTCTTTCTTCTCCCTAGCGGCAATTAGAAATA-3'
Protein context (NP_001366199.1, residues 150-170): EVVVIDPSGN[Thr160Arg]YYNWLFCITL